The following is an entry in ClinVar:

NM_025114.4(CEP290):c.2493G>T (p.Glu831Asp)

Gene: CEP290 (centrosomal protein 290; minus strand). Cytogenetic location: 12q21.32.
Variant type: single nucleotide variant.
Coding change: c.2493G>T on transcript NM_025114.4 (MANE Select); coding-DNA position 2493, G replaced by T.
Protein change: p.Glu831Asp; replaces glutamic acid 831 with aspartic acid.
Molecular consequence: missense variant.
Genome position (GRCh38, 1-based): chr12:88,107,089, C>A on the plus strand (G>T on the coding strand, the complement: CEP290 is on the minus strand). VCF-style: chr12-88107089-C-A. GRCh37 (hg19) VCF-style: chr12-88500866-C-A.
Other names: short protein forms E831D.
Identifiers: ClinVar variation 3354604 (VCV003354604.1).

ClinVar aggregate classification (germline): Uncertain significance (0 of 4 stars; one submission).

Conditions:
CEP290-related disorder. Also called: CEP290-related condition; CEP290-related disorders. Identifiers: MedGen CN239314.

Submission:

PreventionGenetics, part of Exact Sciences
Classification: Uncertain significance for CEP290-related condition. Last evaluated: 2024-03-11. Review status: no assertion criteria provided. Collection method: clinical testing. Allele origin: germline.
Comment: The CEP290 c.2493G>T variant is predicted to result in the amino acid substitution p.Glu831Asp. To our knowledge, this variant has not been reported in the literature or in a large population database, indicating this variant is rare. At this time, the clinical significance of this variant is uncertain due to the absence of conclusive functional and genetic evidence.